The following is an entry in ClinVar:

NM_000214.3(JAG1):c.1721-21G>A

Gene: JAG1 (jagged canonical Notch ligand 1; minus strand). Cytogenetic location: 20p12.2.
Variant type: single nucleotide variant.
Coding change: c.1721-21G>A on transcript NM_000214.3 (MANE Select); 21 bases into the intron before coding-DNA position 1721, G replaced by A.
Molecular consequence: intron variant.
Genome position (GRCh38, 1-based): chr20:10,647,124, C>T on the plus strand (G>A on the coding strand, the complement: JAG1 is on the minus strand). VCF-style: chr20-10647124-C-T. GRCh37 (hg19) VCF-style: chr20-10627772-C-T.
Identifiers: ClinVar variation 1231644 (VCV001231644.31), dbSNP rs35357944, ClinGen allele CA9764763.

ClinVar aggregate classification (germline): Benign. Review status: criteria provided, multiple submitters, no conflicts (2 of 4 stars). 3 submissions from 3 submitters: Benign (3). Last evaluated 2026-09-01.

Allele frequency attached by ClinVar (database versions not stated): 1000 Genomes Project 30x 0.00281; 1000 Genomes Project 0.00300; gnomAD 0.00396 and 0.00406; ESP Exome Variant Server 0.00454; gnomAD exomes 0.00480 and 0.00570; ExAC 0.00584.
gnomAD v4.1: 7,747 of 1,614,076 alleles (0.48%); highest among the groups gnomAD compares: Middle Eastern, 1.3%; 48 homozygotes.

Submissions (3):

CeGaT Center for Human Genetics Tuebingen
Classification: Benign. Last evaluated: 2026-09-01. Review status: criteria provided, single submitter. Criteria: CeGaT Center For Human Genetics Tuebingen Variant Classification Criteria Version 2. Collection method: clinical testing. Allele origin: germline. Affected: yes. Observed: 19 variant alleles.
Comment: JAG1: BS1, BS2

GeneDx
Classification: Benign. Last evaluated: 2015-03-03. Review status: criteria provided, single submitter. Criteria: GeneDx Variant Classification Process June 2021. Collection method: clinical testing. Allele origin: germline. Affected: yes.

Breakthrough Genomics
Classification: Benign. Review status: criteria provided, single submitter. Criteria: ACMG Guidelines, 2015. Collection method: not provided. Allele origin: germline. Inheritance: Autosomal dominant inheritance. Affected: yes.